The following is an entry in ClinVar:

NM_001206927.2(DNAH8):c.11440A>G (p.Ile3814Val)

Genes: DNAH8 (dynein axonemal heavy chain 8; plus strand), DNAH8-AS1 (DNAH8 antisense RNA 1; minus strand). Cytogenetic location: 6p21.2.
Variant type: single nucleotide variant.
Coding change: c.11440A>G on transcript NM_001206927.2 (MANE Select); coding-DNA position 11440, A replaced by G.
Protein change: p.Ile3814Val; replaces isoleucine 3814 with valine.
Molecular consequence: missense variant.
Genome position (GRCh38, 1-based): chr6:38,931,976, A>G. VCF-style: chr6-38931976-A-G. GRCh37 (hg19) VCF-style: chr6-38899752-A-G.
Other names: c.10789A>G, p.Ile3597Val (NM_001371.4); short protein forms I3597V, I3814V.
Identifiers: ClinVar variation 1952145 (VCV001952145.2), dbSNP rs2533558406, ClinGen allele CA364018390.

ClinVar aggregate classification (germline): Uncertain significance (1 of 4 stars; one submission).

Conditions:
Primary ciliary dyskinesia. Also called: Ciliary dyskinesia. Identifiers: Orphanet 244, MedGen C0008780, MONDO:0016575, HP:0012265.

Allele frequency attached by ClinVar (database versions not stated): gnomAD exomes 0.00001.
gnomAD v4.1: 3 of 1,594,770 alleles (0.00019%); highest among the groups gnomAD compares: Non-Finnish European, 0.00026%; no homozygotes.

Submission:

Labcorp Genetics (formerly Invitae), Labcorp
Classification: Uncertain significance for Primary ciliary dyskinesia. Last evaluated: 2022-08-21. Review status: criteria provided, single submitter. Criteria: Invitae Variant Classification Sherloc (09022015). Collection method: clinical testing. Allele origin: germline.
Comment: This sequence change replaces isoleucine, which is neutral and non-polar, with valine, which is neutral and non-polar, at codon 3814 of the DNAH8 protein (p.Ile3814Val). This variant is not present in population databases (gnomAD no frequency). This variant has not been reported in the literature in individuals affected with DNAH8-related conditions. Algorithms developed to predict the effect of missense changes on protein structure and function are either unavailable or do not agree on the potential impact of this missense change (SIFT: "Deleterious"; PolyPhen-2: "Not Available"; Align-GVGD: "Class C0"). In summary, the available evidence is currently insufficient to determine the role of this variant in disease. Therefore, it has been classified as a Variant of Uncertain Significance.